The following is an entry in ClinVar:

NM_002314.4(LIMK1):c.549C>T (p.Asp183=)

Gene: LIMK1 (LIM domain kinase 1; plus strand). Cytogenetic location: 7q11.23.
Variant type: single nucleotide variant.
Coding change: c.549C>T on transcript NM_002314.4 (MANE Select); coding-DNA position 549, C replaced by T.
Protein change: p.Asp183=; no amino-acid change (aspartic acid 183 retained).
Molecular consequence: synonymous variant.
Genome position (GRCh38, 1-based): chr7:74,099,179, C>T. VCF-style: chr7-74099179-C-T. GRCh37 (hg19) VCF-style: chr7-73513509-C-T.
Other names: c.447C>T, p.Asp149= (NM_001204426.2).
Identifiers: ClinVar variation 723302 (VCV000723302.6), dbSNP rs150491142, ClinGen allele CA4293618.

ClinVar aggregate classification (germline): Likely benign. Review status: criteria provided, single submitter (1 of 4 stars). 2 submissions from 2 submitters: Likely benign (1). 1 of the submissions does not count toward it. Last evaluated 2019-12-31.

Conditions:
LIMK1-related disorder. Also called: LIMK1-related condition.

Allele frequency attached by ClinVar (database versions not stated): ESP Exome Variant Server 0.00015; ExAC 0.00031; gnomAD exomes 0.00037; TOPMed 0.00042.
gnomAD v4.1: 852 of 1,611,986 alleles (0.053%); highest among the groups gnomAD compares: Non-Finnish European, 0.067%; no homozygotes.

Submissions (2):

Labcorp Genetics (formerly Invitae), Labcorp
Classification: Likely benign. Last evaluated: 2019-12-31. Review status: criteria provided, single submitter. Criteria: Invitae Variant Classification Sherloc (09022015). Collection method: clinical testing. Allele origin: germline.

PreventionGenetics, part of Exact Sciences
Classification: Likely benign for LIMK1-related condition. Last evaluated: 2019-06-21. Review status: no assertion criteria provided. Collection method: clinical testing. Allele origin: germline. Not counted in ClinVar's aggregate classification.
Comment: This variant is classified as likely benign based on ACMG/AMP sequence variant interpretation guidelines (Richards et al. 2015 PMID: 25741868, with internal and published modifications).